The following is an entry in ClinVar:

ClinVar aggregate classification (germline): Uncertain significance (1 of 4 stars; one submission).

Submission:

Labcorp Genetics (formerly Invitae), Labcorp
Classification: Uncertain significance. Last evaluated: 2022-07-05. Review status: criteria provided, single submitter. Criteria: Invitae Variant Classification Sherloc (09022015). Collection method: clinical testing. Allele origin: germline.
Comment: In summary, the available evidence is currently insufficient to determine the role of this variant in disease. Therefore, it has been classified as a Variant of Uncertain Significance. Algorithms developed to predict the effect of missense changes on protein structure and function (SIFT, PolyPhen-2, Align-GVGD) all suggest that this variant is likely to be tolerated. ClinVar contains an entry for this variant (Variation ID: 1393035). This variant has not been reported in the literature in individuals affected with NANS-related conditions. This variant is not present in population databases (gnomAD no frequency). This sequence change replaces serine, which is neutral and polar, with proline, which is neutral and non-polar, at codon 251 of the NANS protein (p.Ser251Pro).

NM_018946.4(NANS):c.751T>C (p.Ser251Pro)

Genes: NANS (N-acetylneuraminate synthase; plus strand), TRIM14 (tripartite motif containing 14; minus strand). Cytogenetic location: 9q22.33.
Variant type: single nucleotide variant.
Coding change: c.751T>C on transcript NM_018946.4 (MANE Select); coding-DNA position 751, T replaced by C.
Protein change: p.Ser251Pro; replaces serine 251 with proline.
Molecular consequence: missense variant.
Genome position (GRCh38, 1-based): chr9:98,080,963, T>C. VCF-style: chr9-98080963-T-C. GRCh37 (hg19) VCF-style: chr9-100843245-T-C.
Other names: short protein forms S251P.
Identifiers: ClinVar variation 1393035 (VCV001393035.6), dbSNP rs2118024429, ClinGen allele CA374201332.